The following is an entry in ClinVar:

ClinVar aggregate classification (germline): Likely benign. Review status: criteria provided, multiple submitters, no conflicts (2 of 4 stars). 4 submissions from 4 submitters: Likely benign (3). 1 of the submissions does not count toward it. Last evaluated 2026-01-12.

Conditions:
MMACHC-related disorder. Also called: MMACHC-related condition.
Cobalamin C disease. Also called: Methylmalonic aciduria and homocystinuria, Vitamin B12-responsive; Vitamin B12 metabolic defect with combined deficiency of methylmalonyl-CoA mutase and homocysteine:methyltetrahydrofolate methyltransferase; Methylmalonic aciduria with homocystinuria cblC type; methylmalonic aciduria and homocystinuria type cblC; Cobalamin-C methylmalonic acidemia and homocystinuria; Methylmalonic acidemia and homocystinuria cblC type. Identifiers: Orphanet 26, Orphanet 79282, MedGen C1848561, MONDO:0010184, OMIM 277400.

Allele frequency attached by ClinVar (database versions not stated): gnomAD exomes 0.00006 and 0.00009; ExAC 0.00014; gnomAD 0.00001 and 0.00003; TOPMed 0.00002.
gnomAD v4.1: 99 of 1,613,660 alleles (0.0061%); highest among the groups gnomAD compares: South Asian, 0.074%; 1 homozygote.

Submissions (4):

Labcorp Genetics (formerly Invitae), Labcorp
Classification: Likely benign for Cobalamin C disease. Last evaluated: 2026-01-12. Review status: criteria provided, single submitter. Criteria: Invitae Variant Classification Sherloc (09022015). Collection method: clinical testing. Allele origin: germline.

PreventionGenetics, part of Exact Sciences
Classification: Likely benign for MMACHC-related condition. Last evaluated: 2025-12-09. Review status: criteria provided, single submitter. Criteria: ACMG Guidelines, 2015. Collection method: clinical testing. Allele origin: germline.
Comment: This variant is classified as likely benign based on ACMG/AMP sequence variant interpretation guidelines (Richards et al. 2015 PMID: 25741868, with internal and published modifications).

Blueprint Genetics
Classification: Likely benign. Last evaluated: 2024-11-08. Review status: criteria provided, single submitter. Criteria: ACMG Guidelines, 2015. Collection method: clinical testing. Allele origin: germline.

Natera, Inc.
Classification: Likely benign for Methylmalonic aciduria with homocystinuria cblC type. Last evaluated: 2020-09-16. Review status: no assertion criteria provided. Collection method: clinical testing. Allele origin: germline. Not counted in ClinVar's aggregate classification.

NM_015506.3(MMACHC):c.696C>T (p.Ala232=)

Gene: MMACHC (metabolism of cobalamin associated C; plus strand). Cytogenetic location: 1p34.1.
Variant type: single nucleotide variant.
Coding change: c.696C>T on transcript NM_015506.3 (MANE Select); coding-DNA position 696, C replaced by T.
Protein change: p.Ala232=; no amino-acid change (alanine 232 retained).
Molecular consequence: synonymous variant.
Genome position (GRCh38, 1-based): chr1:45,509,062, C>T. VCF-style: chr1-45509062-C-T. GRCh37 (hg19) VCF-style: chr1-45974734-C-T.
Other names: c.525C>T, p.Ala175= (NM_001330540.2).
Identifiers: ClinVar variation 760021 (VCV000760021.14), dbSNP rs767496391, ClinGen allele CA827836.